The following is an entry in ClinVar:

NM_000540.3(RYR1):c.13340G>T (p.Arg4447Leu)

Genes: RYR1 (ryanodine receptor 1; plus strand), LOC130064357 (ATAC-STARR-seq lymphoblastoid silent region 10577; plus strand). Cytogenetic location: 19q13.2.
Variant type: single nucleotide variant.
Coding change: c.13340G>T on transcript NM_000540.3 (MANE Select); coding-DNA position 13340, G replaced by T.
Protein change: p.Arg4447Leu; replaces arginine 4447 with leucine.
Molecular consequence: missense variant.
Genome position (GRCh38, 1-based): chr19:38,565,674, G>T. VCF-style: chr19-38565674-G-T. GRCh37 (hg19) VCF-style: chr19-39056314-G-T.
Other names: c.13325G>T, p.Arg4442Leu (NM_001042723.2); short protein forms R4442L, R4447L.
Identifiers: ClinVar variation 2050734 (VCV002050734.4), dbSNP rs1185668732, ClinGen allele CA405675112.
Genomic context (GRCh38, chr19:38,565,674, plus strand): 5'-ACGAGGCCGGGCCGGGCGGTGCCGACGGGGCGGTGGCCGTGACCGATGGGGGCCCCTTCC[G>T]GCCCGAAGGGGCTGGCGGTCTCGGGGACATGGGGGACACGACGCCTGCGGAACCGCCCAC-3'
Protein context (NP_000531.2, residues 4437-4457): AVAVTDGGPF[Arg4447Leu]PEGAGGLGDM

ClinVar aggregate classification (germline): Uncertain significance. Review status: criteria provided, multiple submitters, no conflicts (2 of 4 stars). 2 submissions from 2 submitters: Uncertain significance (2). Last evaluated 2025-06-04.

Conditions:
Malignant hyperthermia, susceptibility to, 1 (MHS1). Also called: Anesthesia related hyperthermia; Malignant hyperpyrexia; Fulminating hyperpyrexia; Pharmacogenic myopathy; RYR1-Related Malignant Hyperthermia Susceptibility; Malignant hyperthermia suceptibility 1. Identifiers: Orphanet 423, MedGen C2930980, MONDO:0007783, OMIM 145600.
RYR1-related disorder. Also called: RYR1-related condition; RYR1-related disorders. Identifiers: MedGen CN239331.

Allele frequency attached by ClinVar (database versions not stated): TOPMed 0.00001.
gnomAD v4.1: 3 of 1,395,190 alleles (0.00022%); highest among the groups gnomAD compares: Non-Finnish European, 0.00028%; no homozygotes.

Submissions (2):

Labcorp Genetics (formerly Invitae), Labcorp
Classification: Uncertain significance for RYR1-related disorder. Last evaluated: 2025-06-04. Review status: criteria provided, single submitter. Criteria: Invitae Variant Classification Sherloc (09022015). Collection method: clinical testing. Allele origin: germline.
Comment: This sequence change replaces arginine, which is basic and polar, with leucine, which is neutral and non-polar, at codon 4447 of the RYR1 protein (p.Arg4447Leu). The frequency data for this variant in the population databases is considered unreliable, as metrics indicate poor data quality at this position in the gnomAD database. This variant has not been reported in the literature in individuals affected with RYR1-related conditions. ClinVar contains an entry for this variant (Variation ID: 2050734). Invitae Evidence Modeling of protein sequence and biophysical properties (such as structural, functional, and spatial information, amino acid conservation, physicochemical variation, residue mobility, and thermodynamic stability) indicates that this missense variant is not expected to disrupt RYR1 protein function with a negative predictive value of 80%. In summary, the available evidence is currently insufficient to determine the role of this variant in disease. Therefore, it has been classified as a Variant of Uncertain Significance.

All of Us Research Program, National Institutes of Health
Classification: Uncertain significance for Malignant hyperthermia, susceptibility to, 1. Last evaluated: 2023-06-08. Review status: criteria provided, single submitter. Criteria: ACMG Guidelines, 2015. Collection method: clinical testing. Allele origin: germline. Inheritance: Autosomal dominant inheritance. Observed: 1 variant allele, 1 heterozygote.
Comment: This missense variant replaces arginine with leucine at codon 4447 of the RYR1 protein. Computational prediction suggests that this variant may not impact protein structure and function (internally defined REVEL score threshold <= 0.5, PMID: 27666373). To our knowledge, functional studies have not been reported for this variant. This variant has not been reported in individuals affected with RYR1-related disorders in the literature. This variant has been identified in 1/19262 chromosomes in the general population by the Genome Aggregation Database (gnomAD). The available evidence is insufficient to determine the role of this variant in disease conclusively. Therefore, this variant is classified as a Variant of Uncertain Significance.

This study involves interpretation of variants in research participants for the purpose of population health screening. Participant phenotype was not available at the time of variant classification. Additional details can be found in publication PMID: 35346344, PMCID: PMC8962531